The following is an entry in ClinVar:

ClinVar aggregate classification (germline): Uncertain significance (1 of 4 stars; one submission).

Submission:

GeneDx
Classification: Uncertain significance. Last evaluated: 2024-01-19. Review status: criteria provided, single submitter. Criteria: GeneDx Variant Classification Process June 2021. Collection method: clinical testing. Allele origin: germline. Affected: yes.
Comment: Has not been previously published as pathogenic or benign to our knowledge; In silico analysis is inconclusive as to whether the variant alters gene splicing. In the absence of RNA/functional studies, the actual effect of this sequence change is unknown.

NM_006624.7(ZMYND11):c.-20+1G>A

Gene: ZMYND11 (zinc finger MYND-type containing 11; plus strand). Cytogenetic location: 10p15.3.
Variant type: single nucleotide variant.
Coding change: c.-20+1G>A on transcript NM_006624.7; the canonical splice donor site of the intron after 20 bases upstream of the start codon, G replaced by A.
Molecular consequence: splice donor variant. On other transcripts: intron variant (2).
Genome position (GRCh38, 1-based): chr10:134,787, G>A. VCF-style: chr10-134787-G-A. GRCh37 (hg19) VCF-style: chr10-180727-G-A.
Other names: c.-20+4452G>A (NM_001370103.2); c.-20+412G>A (NM_001370104.2); c.-20+1G>A (NM_001370119.2, NM_001370105.2); c.-5+1G>A (NM_001370118.2).
Identifiers: ClinVar variation 3343207 (VCV003343207.1).